The following is an entry in ClinVar:

NM_001048174.2(MUTYH):c.306G>A (p.Val102=)

Gene: MUTYH (mutY DNA glycosylase; minus strand). Cytogenetic location: 1p34.1.
Variant type: single nucleotide variant.
Coding change: c.306G>A on transcript NM_001048174.2 (MANE Select); coding-DNA position 306, G replaced by A.
Protein change: p.Val102=; no amino-acid change (valine 102 retained).
Molecular consequence: synonymous variant. On other transcripts: non-coding transcript variant (1), intron variant (2).
Genome position (GRCh38, 1-based): chr1:45,333,169, C>T on the plus strand (G>A on the coding strand, the complement: MUTYH is on the minus strand). VCF-style: chr1-45333169-C-T. GRCh37 (hg19) VCF-style: chr1-45798841-C-T.
Other names: c.306G>A, p.Val102= (NM_001048171.2, NM_001048173.2, NM_001293195.2); c.309G>A, p.Val103= (NM_001048172.2); c.390G>A, p.Val130= (NM_001128425.2); c.351G>A, p.Val117= (NM_001293190.2); c.339G>A, p.Val113= (NM_001293191.2); c.30G>A, p.Val10= (NM_001293192.2, NM_001293196.2); c.381G>A, p.Val127= (NM_012222.3); c.33+116G>A (NM_001350651.2, NM_001350650.2).
Identifiers: ClinVar variation 246266 (VCV000246266.20), dbSNP rs774780021, ClinGen allele CA057723.
Genomic context (GRCh38, chr1:45,333,169, plus strand): 5'-GGTATAGTAGTTGATCACAGTGGCAACCTGGGTCTGCTGCAGCATGACCTCTGAGACCCA[C>T]ACTGGGGGAAAGGGGTTGGCATGAGGACACTGCTGACCTGCCCCTACCTGGCCCACAGCC-3'
Protein context (NP_001041639.1, residues 92-112): EMDLDRRAYA[Val102=]WVSEVMLQQT

ClinVar aggregate classification (germline): Conflicting classifications of pathogenicity. Review status: criteria provided, conflicting classifications (1 of 4 stars). 5 submissions from 5 submitters: Uncertain significance (1); Likely benign (4). Last evaluated 2025-07-02.

Conditions:
Hereditary cancer-predisposing syndrome. Also called: Tumor predisposition; Hereditary neoplastic syndrome; Neoplastic Syndromes, Hereditary; Hereditary Cancer Syndrome. Identifiers: Orphanet 140162, MedGen C0027672, MeSH D009386, MONDO:0015356.
Familial adenomatous polyposis 2. Also called: FAP type 2; MUTYH Polyposis; MUTYH-related attenuated familial adenomatous polyposis; COLORECTAL ADENOMATOUS POLYPOSIS, AUTOSOMAL RECESSIVE; ADENOMAS, MULTIPLE COLORECTAL, AUTOSOMAL RECESSIVE; Adenomas, multiple colorectal. Identifiers: Orphanet 220460, Orphanet 247798, MedGen C3272841, MONDO:0012041, OMIM 608456.

Allele frequency attached by ClinVar (database versions not stated): gnomAD exomes 0.00001 and below 0.00001; ExAC 0.00002; TOPMed 0.00005; gnomAD 0.00006 and 0.00007.

Submissions (5):

Labcorp Genetics (formerly Invitae), Labcorp
Classification: Likely benign for Familial adenomatous polyposis 2. Last evaluated: 2025-07-02. Review status: criteria provided, single submitter. Criteria: Invitae Variant Classification Sherloc (09022015). Collection method: clinical testing. Allele origin: germline.

All of Us Research Program, National Institutes of Health
Classification: Likely benign for Familial adenomatous polyposis 2. Last evaluated: 2023-07-07. Review status: criteria provided, single submitter. Criteria: ACMG Guidelines, 2015. Collection method: clinical testing. Allele origin: germline. Inheritance: Autosomal recessive inheritance. Observed: 1 variant allele, 1 heterozygote.
Comment: This study involves interpretation of variants in research participants for the purpose of population health screening. Participant phenotype was not available at the time of variant classification. Additional details can be found in publication PMID: 35346344, PMCID: PMC8962531

Color Diagnostics, LLC DBA Color Health
Classification: Likely benign for Hereditary cancer-predisposing syndrome. Last evaluated: 2022-01-28. Review status: criteria provided, single submitter. Criteria: ACMG Guidelines, 2015. Collection method: clinical testing. Allele origin: germline.

GeneDx
Classification: Uncertain significance. Last evaluated: 2020-07-31. Review status: criteria provided, single submitter. Criteria: GeneDx Variant Classification Process June 2021. Collection method: clinical testing. Allele origin: germline. Affected: yes.
Comment: Has not been previously published as pathogenic or benign to our knowledge; In-silico analysis, which includes splice predictors and evolutionary conservation, is inconclusive as to whether the variant alters gene splicing. In the absence of RNA/functional studies, the actual effect of this sequence change is unknown.; This variant is associated with the following publications: (PMID: 24325359)

Ambry Genetics
Classification: Likely benign for Hereditary cancer-predisposing syndrome. Last evaluated: 2018-07-16. Review status: criteria provided, single submitter. Criteria: Ambry Variant Classification Scheme 2023. Collection method: clinical testing. Allele origin: germline.